The following is an entry in ClinVar:

ClinVar aggregate classification (germline): Likely benign (1 of 4 stars; one submission).

Submission:

GeneDx
Classification: Likely benign. Last evaluated: 2017-04-11. Review status: criteria provided, single submitter. Criteria: GeneDx Variant Classification (06012015). Collection method: clinical testing. Allele origin: germline. Affected: yes.
Comment: This variant is considered likely benign or benign based on one or more of the following criteria: it is a conservative change, it occurs at a poorly conserved position in the protein, it is predicted to be benign by multiple in silico algorithms, and/or has population frequency not consistent with disease.

NM_012463.4(ATP6V0A2):c.295-17C>A

Gene: ATP6V0A2 (ATPase H+ transporting V0 subunit a2; plus strand). Cytogenetic location: 12q24.31.
Variant type: single nucleotide variant.
Coding change: c.295-17C>A on transcript NM_012463.4 (MANE Select); 17 bases into the intron before coding-DNA position 295, C replaced by A.
Molecular consequence: intron variant.
Genome position (GRCh38, 1-based): chr12:123,724,637, C>A. VCF-style: chr12-123724637-C-A. GRCh37 (hg19) VCF-style: chr12-124209184-C-A.
Identifiers: ClinVar variation 508871 (VCV000508871.1), dbSNP rs1555296412, ClinGen allele CA658797974.